The following is an entry in ClinVar:

NM_014806.5(RUSC2):c.886C>T (p.Arg296Cys)

Gene: RUSC2 (RUN and SH3 domain containing 2; plus strand). Cytogenetic location: 9p13.3.
Variant type: single nucleotide variant.
Coding change: c.886C>T on transcript NM_014806.5 (MANE Select); coding-DNA position 886, C replaced by T.
Protein change: p.Arg296Cys; replaces arginine 296 with cysteine.
Molecular consequence: missense variant. On other transcripts: non-coding transcript variant (1), intron variant (1).
Genome position (GRCh38, 1-based): chr9:35,547,407, C>T. VCF-style: chr9-35547407-C-T. GRCh37 (hg19) VCF-style: chr9-35547404-C-T.
Other names: c.886C>T, p.Arg296Cys (NM_001135999.2); c.-620-7653C>T (NM_001330740.2); short protein forms R296C.
Identifiers: ClinVar variation 1468470 (VCV001468470.4), dbSNP rs747323380, ClinGen allele CA5043550.
Genomic context (GRCh38, chr9:35,547,407, plus strand): 5'-AGTTCAGATGGTGTGCTGGTCACCTTCAGCACCCTCTACAACAAGATGCATGGCACCCCC[C>T]GTGCCAATCTCAACTCTGCCCCACAGTCCTGCAGCGACTCTTCCTTCTGCAGCCACTCAG-3'
Protein context (NP_055621.2, residues 286-306): TLYNKMHGTP[Arg296Cys]ANLNSAPQSC

ClinVar aggregate classification (germline): Uncertain significance (1 of 4 stars; one submission).

gnomAD v4.1: 14 of 1,614,062 alleles (0.00087%); highest among the groups gnomAD compares: East Asian, 0.0089%; 1 homozygote.

Submission:

Labcorp Genetics (formerly Invitae), Labcorp
Classification: Uncertain significance. Last evaluated: 2024-05-08. Review status: criteria provided, single submitter. Criteria: Invitae Variant Classification Sherloc (09022015). Collection method: clinical testing. Allele origin: germline.
Comment: This sequence change replaces arginine, which is basic and polar, with cysteine, which is neutral and slightly polar, at codon 296 of the RUSC2 protein (p.Arg296Cys). This variant is present in population databases (rs747323380, gnomAD 0.02%). This variant has not been reported in the literature in individuals affected with RUSC2-related conditions. ClinVar contains an entry for this variant (Variation ID: 1468470). An algorithm developed to predict the effect of missense changes on protein structure and function (PolyPhen-2) suggests that this variant is likely to be disruptive. In summary, the available evidence is currently insufficient to determine the role of this variant in disease. Therefore, it has been classified as a Variant of Uncertain Significance.